The following is an entry in ClinVar:

NM_000198.4(HSD3B2):c.749G>T (p.Gly250Val)

Gene: HSD3B2 (hydroxy-delta-5-steroid dehydrogenase, 3 beta- and steroid delta-isomerase 2; plus strand). Cytogenetic location: 1p12.
Variant type: single nucleotide variant.
Coding change: c.749G>T on transcript NM_000198.4 (MANE Select); coding-DNA position 749, G replaced by T.
Protein change: p.Gly250Val; replaces glycine 250 with valine.
Molecular consequence: missense variant.
Genome position (GRCh38, 1-based): chr1:119,422,250, G>T. VCF-style: chr1-119422250-G-T. GRCh37 (hg19) VCF-style: chr1-119964873-G-T.
Other names: c.749G>T, p.Gly250Val (NM_001166120.2); c.749G>T (NM_000198.3); short protein forms G250V.
Identifiers: ClinVar variation 3578252 (VCV003578252.3).

ClinVar aggregate classification (germline): Likely pathogenic. Review status: criteria provided, multiple submitters, no conflicts (2 of 4 stars). 2 submissions from 2 submitters: Likely pathogenic (2). Last evaluated 2025-03-08.

Conditions:
3 beta-Hydroxysteroid dehydrogenase deficiency. Also called: 3-BETA-HSD DEFICIENCY; ADRENAL HYPERPLASIA II; Congenital adrenal hyperplasia due to 3-beta-hydroxysteroid dehydrogenase deficiency; 3b-hydroxysteroid dehydrogenase deficiency; ADRENAL HYPERPLASIA, CONGENITAL, DUE TO 3-BETA-HYDROXYSTEROID DEHYDROGENASE 2 DEFICIENCY. Identifiers: Orphanet 90791, MedGen C0342471, MeSH C538236, MONDO:0008727, OMIM 201810. Disease mechanism: loss of function.

Submissions (2):

Natera, Inc.
Classification: Likely pathogenic for 3 beta hydroxysteroid dehydrogenase deficiency. Last evaluated: 2025-03-08. Review status: criteria provided, single submitter. Criteria: Natera Variant Classification Schema (03/2026). Collection method: clinical testing. Allele origin: germline.
Comment: The c.749G>T variant in HSD3B2 is a missense variant predicted to cause substitution of glycine to valine at amino acid 250. This variant is rare in the general population with a frequency below the threshold expected for the associated phenotype(s). This variant has been observed in one or more individuals affected with the associated recessive disease, as either homozygous or compound heterozygous with a second variant (PMID: 25322271). Functional studies show that this variant may disrupt protein function (PMID: 25322271). Computational prediction algorithms indicate this variant is likely to affect gene or protein function. Given the available evidence, this variant is classified as Likely Pathogenic.

Fulgent Genetics
Classification: Likely pathogenic for 3 beta-Hydroxysteroid dehydrogenase deficiency. Last evaluated: 2024-03-21. Review status: criteria provided, single submitter. Criteria: ACMG Guidelines, 2015. Collection method: clinical testing. Allele origin: germline.

Literature cited by the submitters: PubMed 25322271 (cited by Natera, Inc.).